The following is an entry in ClinVar:

ClinVar aggregate classification (germline): Conflicting classifications of pathogenicity. Review status: criteria provided, conflicting classifications (1 of 4 stars). 2 submissions from 2 submitters: Likely pathogenic (1); Uncertain significance (1). Last evaluated 2025-07-17.

Conditions:
Anemia, nonspherocytic hemolytic, due to G6PD deficiency (CNSHA1). Also called: Class I glucose-6-phosphate dehydrogenase deficiency; Favism, susceptibility to; ANEMIA, CONGENITAL, NONSPHEROCYTIC HEMOLYTIC, 1; Hemolytic anemia due to G6PD deficiency. Identifiers: Orphanet 466026, MedGen C2720289, MONDO:0010480, OMIM 300908.

Allele frequency attached by ClinVar (database versions not stated): TOPMed below 0.00001; ExAC 0.00001; gnomAD exomes 0.00001; gnomAD 0.00002.
gnomAD v4.1: 13 of 1,210,305 alleles (0.0011%); highest among the groups gnomAD compares: East Asian, 0.0089%; no homozygotes.

Submissions (2):

Women's Health and Genetics/Laboratory Corporation of America, LabCorp
Classification: Uncertain significance. Last evaluated: 2025-07-17. Review status: criteria provided, single submitter. Criteria: LabCorp Variant Classification Summary - May 2015. Collection method: clinical testing. Allele origin: germline.
Comment: Variant summary: G6PD c.277G>A (p.Glu93Lys) results in a conservative amino acid change in the encoded protein sequence. Algorithms developed to predict the effect of missense changes on protein structure and function are either unavailable or do not agree on the potential impact of this missense change. The variant allele was found at a frequency of 2.7e-05 in 183341 control chromosomes. The available data on variant occurrences in the general population are insufficient to allow any conclusion about variant significance. c.277G>A has been observed in individual(s) affected with Glucose 6 Phosphate Dehydrogenase Deficiency (Chiu_2019, Geck_2023, Chen_2022). These data do not allow any conclusion about variant significance. To our knowledge, no experimental evidence demonstrating an impact on protein function has been reported. The following publications have been ascertained in the context of this evaluation (PMID: 31294066, 36681081, 36315991). ClinVar contains an entry for this variant (Variation ID: 1722709). Based on the evidence outlined above, the variant was classified as uncertain significance.

Dunham Lab, University of Washington
Classification: Likely pathogenic for Anemia, nonspherocytic hemolytic, due to G6PD deficiency. Last evaluated: 2022-08-12. Review status: criteria provided, single submitter. Criteria: Bayesian ACMG Guidelines, 2018. Collection method: curation. Allele origin: unknown. Affected: yes.
Comment: Decreased activity in red blood cells of hemizygote (PS3). Below expected carrier frequency in gnomAD (PM2). Post_P 0.949 (odds of pathogenicity 168.4, Prior_P 0.1).

Literature cited by the submitters: PubMed 36315991 (cited by Women's Health and Genetics/Laboratory Corporation of America, LabCorp); PubMed 36681081 (cited by Women's Health and Genetics/Laboratory Corporation of America, LabCorp); PubMed 31294066 (cited by Women's Health and Genetics/Laboratory Corporation of America, LabCorp and Dunham Lab, University of Washington).

NM_001360016.2(G6PD):c.187G>A (p.Glu63Lys)

Gene: G6PD (glucose-6-phosphate dehydrogenase; minus strand). Cytogenetic location: Xq28.
Variant type: single nucleotide variant.
Coding change: c.187G>A on transcript NM_001360016.2 (MANE Select); coding-DNA position 187, G replaced by A.
Protein change: p.Glu63Lys; replaces glutamic acid 63 with lysine.
Molecular consequence: missense variant.
Genome position (GRCh38, 1-based): chrX:154,536,017, C>T on the plus strand (G>A on the coding strand, the complement: G6PD is on the minus strand). VCF-style: chrX-154536017-C-T. GRCh37 (hg19) VCF-style: chrX-153764232-C-T.
Other names: G6PD Pingtung; c.277G>A, p.Glu93Lys (NM_000402.4); c.187G>A, p.Glu63Lys (NM_001042351.3); short protein forms E63K, E93K.
Identifiers: ClinVar variation 1722709 (VCV001722709.3), dbSNP rs782674059, ClinGen allele CA10566303.